The following is an entry in ClinVar:

ClinVar aggregate classification (germline): Likely benign (1 of 4 stars; one submission).

gnomAD v4.1: 12 of 1,613,984 alleles (0.00074%); highest among the groups gnomAD compares: Non-Finnish European, 0.00093%; no homozygotes.

Submission:

CeGaT Center for Human Genetics Tuebingen
Classification: Likely benign. Last evaluated: 2026-01-01. Review status: criteria provided, single submitter. Criteria: CeGaT Center For Human Genetics Tuebingen Variant Classification Criteria Version 2. Collection method: clinical testing. Allele origin: germline. Affected: yes. Observed: 1 variant allele.
Comment: CDC42BPB: BP4, BP7

NM_006035.4(CDC42BPB):c.1875C>T (p.Leu625=)

Gene: CDC42BPB (CDC42 binding protein kinase beta; minus strand). Cytogenetic location: 14q32.32.
Variant type: single nucleotide variant.
Coding change: c.1875C>T on transcript NM_006035.4 (MANE Select); coding-DNA position 1875, C replaced by T.
Protein change: p.Leu625=; no amino-acid change (leucine 625 retained).
Molecular consequence: synonymous variant.
Genome position (GRCh38, 1-based): chr14:102,971,928, G>A on the plus strand (C>T on the coding strand, the complement: CDC42BPB is on the minus strand). VCF-style: chr14-102971928-G-A. GRCh37 (hg19) VCF-style: chr14-103438265-G-A.
Other names: c.1875C>T, p.Leu625= (NM_001411054.1).
Identifiers: ClinVar variation 4822064 (VCV004822064.4).